The following is an entry in ClinVar:

ClinVar aggregate classification (germline): Uncertain significance. Review status: criteria provided, multiple submitters, no conflicts (2 of 4 stars). 2 submissions from 2 submitters: Uncertain significance (2). Last evaluated 2025-01-01.

Allele frequency attached by ClinVar (database versions not stated): gnomAD exomes 0.00002 and 0.00006; gnomAD 0.00005 and 0.00006.
gnomAD v4.1: 81 of 1,395,030 alleles (0.0058%); highest among the groups gnomAD compares: Admixed American, 0.014%; no homozygotes.

Submissions (2):

Ambry Genetics
Classification: Uncertain significance. Last evaluated: 2025-01-01. Review status: criteria provided, single submitter. Criteria: Ambry Variant Classification Scheme 2023. Collection method: clinical testing. Allele origin: germline.

Labcorp Genetics (formerly Invitae), Labcorp
Classification: Uncertain significance. Last evaluated: 2023-08-28. Review status: criteria provided, single submitter. Criteria: Invitae Variant Classification Sherloc (09022015). Collection method: clinical testing. Allele origin: germline.
Comment: In summary, the available evidence is currently insufficient to determine the role of this variant in disease. Therefore, it has been classified as a Variant of Uncertain Significance. This sequence change replaces proline, which is neutral and non-polar, with serine, which is neutral and polar, at codon 189 of the FZD2 protein (p.Pro189Ser). The frequency data for this variant in the population databases is considered unreliable, as metrics indicate poor data quality at this position in the gnomAD database. This variant has not been reported in the literature in individuals affected with FZD2-related conditions. ClinVar contains an entry for this variant (Variation ID: 1372662). Advanced modeling of protein sequence and biophysical properties (such as structural, functional, and spatial information, amino acid conservation, physicochemical variation, residue mobility, and thermodynamic stability) performed at Invitae indicates that this missense variant is not expected to disrupt FZD2 protein function.

NM_001466.4(FZD2):c.565C>T (p.Pro189Ser)

Gene: FZD2 (frizzled class receptor 2; plus strand). Cytogenetic location: 17q21.31.
Variant type: single nucleotide variant.
Coding change: c.565C>T on transcript NM_001466.4 (MANE Select); coding-DNA position 565, C replaced by T.
Protein change: p.Pro189Ser; replaces proline 189 with serine.
Molecular consequence: missense variant.
Genome position (GRCh38, 1-based): chr17:44,558,253, C>T. VCF-style: chr17-44558253-C-T. GRCh37 (hg19) VCF-style: chr17-42635621-C-T.
Other names: c.565C>T (NM_001466.3); short protein forms P189S.
Identifiers: ClinVar variation 1372662 (VCV001372662.7), dbSNP rs904495986, ClinGen allele CA290947816.